The following is an entry in ClinVar:

ClinVar aggregate classification (germline): Pathogenic/Likely pathogenic. Review status: criteria provided, multiple submitters, no conflicts (2 of 4 stars). 3 submissions from 3 submitters: Pathogenic (2); Likely pathogenic (1). Last evaluated 2023-08-27.

Conditions:
Primary open angle glaucoma (POAG). Also called: OPTN-related open angle glaucoma. Identifiers: MedGen C0339573, MONDO:0100553, OMIM 137760.
Amyotrophic lateral sclerosis type 12 (ALS12). Also called: AMYOTROPHIC LATERAL SCLEROSIS 12 WITH OR WITHOUT FRONTOTEMPORAL DEMENTIA. Identifiers: Orphanet 803, MedGen C3150692, MONDO:0013264, OMIM 613435.
Glaucoma 1, open angle, E. Identifiers: MedGen C1842026, MONDO:0007665.

Submissions (3):

GeneDx
Classification: Pathogenic. Last evaluated: 2023-08-27. Review status: criteria provided, single submitter. Criteria: GeneDx Variant Classification Process June 2021. Collection method: clinical testing. Allele origin: germline. Affected: yes.
Comment: Not observed at significant frequency in large population cohorts (gnomAD); Nonsense variant predicted to result in protein truncation or nonsense mediated decay in a gene for which loss of function is a known mechanism of disease; This variant is associated with the following publications: (PMID: 31759189)

Labcorp Genetics (formerly Invitae), Labcorp
Classification: Pathogenic for Primary open angle glaucoma; Glaucoma 1, open angle, E; Amyotrophic lateral sclerosis type 12. Last evaluated: 2022-03-18. Review status: criteria provided, single submitter. Criteria: Invitae Variant Classification Sherloc (09022015). Collection method: clinical testing. Allele origin: germline.
Comment: For these reasons, this variant has been classified as Pathogenic. This premature translational stop signal has been observed in individual(s) with autosomal recessive amyotrophic lateral sclerosis (PMID: 31759189). It has also been observed to segregate with disease in related individuals. This variant has been reported in individual(s) with autosomal dominant amyotrophic lateral sclerosis (Invitae); however, the role of the variant in this condition is currently unclear. This variant is not present in population databases (gnomAD no frequency). This sequence change creates a premature translational stop signal (p.Glu399*) in the OPTN gene. It is expected to result in an absent or disrupted protein product. Loss-of-function variants in OPTN are known to be pathogenic (PMID: 20428114).

Revvity Omics, Revvity
Classification: Likely pathogenic. Last evaluated: 2021-12-31. Review status: criteria provided, single submitter. Criteria: ACMG Guidelines, 2015. Collection method: clinical testing. Allele origin: germline.

Literature cited by the submitters: PubMed 31759189 (cited by Labcorp Genetics (formerly Invitae), Labcorp); PubMed 20428114 (cited by Labcorp Genetics (formerly Invitae), Labcorp).

NM_001008212.2(OPTN):c.1195G>T (p.Glu399Ter)

Gene: OPTN (optineurin; plus strand). Cytogenetic location: 10p13.
Variant type: single nucleotide variant.
Coding change: c.1195G>T on transcript NM_001008212.2 (MANE Select); coding-DNA position 1195, G replaced by T.
Protein change: p.Glu399Ter; replaces glutamic acid 399 with a stop codon.
Molecular consequence: nonsense.
Genome position (GRCh38, 1-based): chr10:13,125,992, G>T. VCF-style: chr10-13125992-G-T. GRCh37 (hg19) VCF-style: chr10-13167992-G-T.
Other names: c.1195G>T, p.Glu399Ter (NM_001008211.1, NM_001008213.1, NM_021980.4); short protein forms E399*.
Identifiers: ClinVar variation 1917899 (VCV001917899.9), dbSNP rs1657737496, ClinGen allele CA376029657.